The following is an entry in ClinVar:

ClinVar aggregate classification (germline): Uncertain significance (1 of 4 stars; one submission).

Conditions:
Glycogen storage disease IV, classic hepatic. Also called: GSD IV, CLASSIC HEPATIC. Identifiers: MedGen C1856301.
Glycogen storage disease, type IV (GSD4). Also called: AMYLOPECTINOSIS; ANDERSEN DISEASE; BRANCHER DEFICIENCY; CIRRHOSIS, FAMILIAL, WITH DEPOSITION OF ABNORMAL GLYCOGEN; GBE1 DEFICIENCY; GLYCOGEN BRANCHING ENZYME DEFICIENCY. Identifiers: Orphanet 367, MedGen C0017923, MONDO:0009292, OMIM 232500.

Submission:

Labcorp Genetics (formerly Invitae), Labcorp
Classification: Uncertain significance for Glycogen storage disease, type IV; Glycogen storage disease IV, classic hepatic. Last evaluated: 2022-07-09. Review status: criteria provided, single submitter. Criteria: Invitae Variant Classification Sherloc (09022015). Collection method: clinical testing. Allele origin: germline.
Comment: This sequence change replaces arginine, which is basic and polar, with glycine, which is neutral and non-polar, at codon 343 of the GBE1 protein (p.Arg343Gly). This variant is not present in population databases (gnomAD no frequency). This variant has not been reported in the literature in individuals affected with GBE1-related conditions. Advanced modeling of protein sequence and biophysical properties (such as structural, functional, and spatial information, amino acid conservation, physicochemical variation, residue mobility, and thermodynamic stability) performed at Invitae indicates that this missense variant is expected to disrupt GBE1 protein function. Algorithms developed to predict the effect of sequence changes on RNA splicing suggest that this variant may create or strengthen a splice site. In summary, the available evidence is currently insufficient to determine the role of this variant in disease. Therefore, it has been classified as a Variant of Uncertain Significance.

NM_000158.4(GBE1):c.1027A>G (p.Arg343Gly)

Gene: GBE1 (1,4-alpha-glucan branching enzyme 1; minus strand). Cytogenetic location: 3p12.2.
Variant type: single nucleotide variant.
Coding change: c.1027A>G on transcript NM_000158.4 (MANE Select); coding-DNA position 1027, A replaced by G.
Protein change: p.Arg343Gly; replaces arginine 343 with glycine.
Molecular consequence: missense variant.
Genome position (GRCh38, 1-based): chr3:81,593,989, T>C on the plus strand (A>G on the coding strand, the complement: GBE1 is on the minus strand). VCF-style: chr3-81593989-T-C. GRCh37 (hg19) VCF-style: chr3-81643140-T-C.
Other names: short protein forms R343G.
Identifiers: ClinVar variation 1958040 (VCV001958040.2), dbSNP rs2471744912, ClinGen allele CA353685897.